The following is an entry in ClinVar:

ClinVar aggregate classification (germline): Uncertain significance (1 of 4 stars; one submission).

Conditions:
Fanconi anemia (FA). Also called: Fanconi's anemia. Identifiers: Orphanet 84, MedGen C0015625, MeSH D005199, MONDO:0019391.

Allele frequency attached by ClinVar (database versions not stated): gnomAD exomes below 0.00001; gnomAD 0.00001.
gnomAD v4.1: 6 of 1,613,466 alleles (0.00037%); highest among the groups gnomAD compares: Admixed American, 0.0033%; no homozygotes.

Submission:

Labcorp Genetics (formerly Invitae), Labcorp
Classification: Uncertain significance for Fanconi anemia. Last evaluated: 2022-12-20. Review status: criteria provided, single submitter. Criteria: Invitae Variant Classification Sherloc (09022015). Collection method: clinical testing. Allele origin: germline.
Comment: This variant has not been reported in the literature in individuals affected with FANCM-related conditions. In summary, the available evidence is currently insufficient to determine the role of this variant in disease. Therefore, it has been classified as a Variant of Uncertain Significance. Algorithms developed to predict the effect of missense changes on protein structure and function are either unavailable or do not agree on the potential impact of this missense change (SIFT: "Tolerated"; PolyPhen-2: "Possibly Damaging"; Align-GVGD: "Class C0"). ClinVar contains an entry for this variant (Variation ID: 1010121). This variant is not present in population databases (gnomAD no frequency). This sequence change replaces serine, which is neutral and polar, with asparagine, which is neutral and polar, at codon 948 of the FANCM protein (p.Ser948Asn).

NM_020937.4(FANCM):c.2843G>A (p.Ser948Asn)

Gene: FANCM (FA complementation group M; plus strand). Cytogenetic location: 14q21.2.
Variant type: single nucleotide variant.
Coding change: c.2843G>A on transcript NM_020937.4 (MANE Select); coding-DNA position 2843, G replaced by A.
Protein change: p.Ser948Asn; replaces serine 948 with asparagine.
Molecular consequence: missense variant.
Genome position (GRCh38, 1-based): chr14:45,175,597, G>A. VCF-style: chr14-45175597-G-A. GRCh37 (hg19) VCF-style: chr14-45644800-G-A.
Other names: c.2765G>A, p.Ser922Asn (NM_001308133.2); short protein forms S922N, S948N.
Identifiers: ClinVar variation 1010121 (VCV001010121.8), dbSNP rs1040437114, ClinGen allele CA259627924.
Genomic context (GRCh38, chr14:45,175,597, plus strand): 5'-AGTTTACAAATAAATCCACTAGTTCACTTGCTGGAAATGTTTTAGATTCTGGTTATAACA[G>A]TTTCAATGATGAAAAATCTGTTTCATCTAACTTATTTCTTCCATTCGAAGAAGAGCTTTA-3'
Protein context (NP_065988.1, residues 938-958): AGNVLDSGYN[Ser948Asn]FNDEKSVSSN